The following is an entry in ClinVar:

ClinVar aggregate classification (germline): Conflicting classifications of pathogenicity. Review status: criteria provided, conflicting classifications (1 of 4 stars). 2 submissions from 2 submitters: Uncertain significance (1); Likely benign (1). Last evaluated 2026-10-15.

gnomAD v4.1: 1,715 of 1,614,176 alleles (0.11%); highest among the groups gnomAD compares: Non-Finnish European, 0.086%; 8 homozygotes.

Submissions (2):

GeneDx
Classification: Uncertain significance. Last evaluated: 2026-10-15. Review status: criteria provided, single submitter. Criteria: GeneDx Variant Classification Process June 2021. Collection method: clinical testing. Allele origin: germline.
Comment: In silico analysis supports that this missense variant has a deleterious effect on protein structure/function; Has not been previously published as a germline pathogenic or benign variant to our knowledge; This variant is associated with the following publications: (PMID: 30615206)

Blueprint Genetics
Classification: Likely benign. Last evaluated: 2024-11-06. Review status: criteria provided, single submitter. Criteria: ACMG Guidelines, 2015. Collection method: clinical testing. Allele origin: germline.

NM_001042603.3(KDM5A):c.1810C>T (p.Arg604Cys)

Gene: KDM5A (lysine demethylase 5A; minus strand). Cytogenetic location: 12p13.33.
Variant type: single nucleotide variant.
Coding change: c.1810C>T on transcript NM_001042603.3 (MANE Select); coding-DNA position 1810, C replaced by T.
Protein change: p.Arg604Cys; replaces arginine 604 with cysteine.
Molecular consequence: missense variant.
Genome position (GRCh38, 1-based): chr12:328,993, G>A on the plus strand (C>T on the coding strand, the complement: KDM5A is on the minus strand). VCF-style: chr12-328993-G-A. GRCh37 (hg19) VCF-style: chr12-438159-G-A.
Other names: short protein forms R604C.
Identifiers: ClinVar variation 4685096 (VCV004685096.3).
Genomic context (GRCh38, chr12:328,993, plus strand): 5'-GATCTGCTGCCATCTTGAAAATTAGTTCCTCGTGTGAAAAGACACAGTGGCGCCTTAGGC[G>A]TCGGTAATGATTTACACATTGACGTCCAATGGGCAACTGAAAATGAGATTTCCAAATTAA-3'
Protein context (NP_001036068.1, residues 594-614): IGRQCVNHYR[Arg604Cys]LRRHCVFSHE